The following is an entry in ClinVar:

ClinVar aggregate classification (germline): Uncertain significance (1 of 4 stars; one submission).

Conditions:
Catecholaminergic polymorphic ventricular tachycardia (CVPT). Also called: Catecholamine-induced polymorphic ventricular tachycardia. Identifiers: Orphanet 3286, MedGen C5574922, MONDO:0017990.

Submission:

All of Us Research Program, National Institutes of Health
Classification: Uncertain significance for Catecholaminergic polymorphic ventricular tachycardia. Last evaluated: 2023-10-23. Review status: criteria provided, single submitter. Criteria: ACMG Guidelines, 2015. Collection method: clinical testing. Allele origin: germline. Inheritance: Autosomal dominant inheritance. Observed: 1 variant allele, 1 heterozygote.
Comment: This variant causes a deletion of one nucleotide in intron 85 splice acceptor site of the RYR2 gene. To our knowledge, functional studies have not been reported for this variant. This variant has not been reported in individuals affected with RYR2-related disorders in the literature. This variant has not been identified in the general population by the Genome Aggregation Database (gnomAD). The available evidence is insufficient to determine the role of this variant in disease conclusively. Therefore, this variant is classified as a Variant of Uncertain Significance.

This study involves interpretation of variants in research participants for the purpose of population health screening. Participant phenotype was not available at the time of variant classification. Additional details can be found in publication PMID: 35346344, PMCID: PMC8962531

NM_001035.3(RYR2):c.11558-7del

Gene: RYR2 (ryanodine receptor 2; plus strand). Cytogenetic location: 1q43.
Variant type: Deletion.
Coding change: c.11558-7del on transcript NM_001035.3 (MANE Select); 7 bases into the intron before coding-DNA position 11558, one base deleted (T; older notation c.11558-7delT).
Molecular consequence: intron variant.
Genome position (GRCh38, 1-based): chr1:237,772,005, T deleted; the last of 2 consecutive T bases (chr1:237,772,004-237,772,005); deleting either gives the same sequence. VCF-style (leftmost placement, unchanged base first): chr1-237772003-CT-C. GRCh37 (hg19) VCF-style: chr1-237935303-CT-C.
Identifiers: ClinVar variation 3074101 (VCV003074101.1), dbSNP rs2527611786, ClinGen allele CA2651218872.